The following is an entry in ClinVar:

ClinVar aggregate classification (germline): Benign. Review status: criteria provided, multiple submitters, no conflicts (2 of 4 stars). 7 submissions from 3 submitters: Benign (7). Last evaluated 2021-07-22.

Conditions:
Autosomal dominant nonsyndromic hearing loss 13. Identifiers: Orphanet 90635, MedGen C1866095, MONDO:0011159, OMIM 601868.
Autosomal recessive nonsyndromic hearing loss 53. Identifiers: Orphanet 90636, MedGen C1864746, MONDO:0012333, OMIM 609706.
Otospondylomegaepiphyseal dysplasia, autosomal dominant (OSMEDA). Also called: Stickler syndrome, type 3; COL11A2-Related Stickler Syndrome; Pierre Robin syndrome with fetal chondrodysplasia. Identifiers: Orphanet 166100, Orphanet 3450, MedGen C1848488, MONDO:0008490, OMIM 184840.
Otospondylomegaepiphyseal dysplasia, autosomal recessive (OSMEDB). Also called: CHONDRODYSTROPHY WITH SENSORINEURAL DEAFNESS; Insley-Astley syndrome. Identifiers: Orphanet 1427, MedGen CN034493, MONDO:0044206, OMIM 215150.
Fibrochondrogenesis 2 (FBCG2). Identifiers: Orphanet 2021, MedGen C3281128, MONDO:0013795, OMIM 614524.

Allele frequency attached by ClinVar (database versions not stated): ESP Exome Variant Server 0.76790; gnomAD 0.77793 and 0.78445; ExAC 0.78233; TOPMed 0.79408; 1000 Genomes Project 0.86921; 1000 Genomes Project 30x 0.87133.
gnomAD v4.1: 1,187,709 of 1,597,208 alleles (74%); highest among the groups gnomAD compares: East Asian, 98%; 445,508 homozygotes.

Submissions (9):

Genome-Nilou Lab
Classification: Benign for Autosomal dominant nonsyndromic hearing loss 13. Last evaluated: 2021-07-22. Review status: criteria provided, single submitter. Criteria: ACMG Guidelines, 2015. Collection method: clinical testing. Allele origin: germline. Affected: no.

Genome-Nilou Lab
Classification: Benign for Autosomal recessive nonsyndromic hearing loss 53. Last evaluated: 2021-07-22. Review status: criteria provided, single submitter. Criteria: ACMG Guidelines, 2015. Collection method: clinical testing. Allele origin: germline. Affected: no.

Genome-Nilou Lab
Classification: Benign for Fibrochondrogenesis 2. Last evaluated: 2021-07-22. Review status: criteria provided, single submitter. Criteria: ACMG Guidelines, 2015. Collection method: clinical testing. Allele origin: germline. Affected: no.

Genome-Nilou Lab
Classification: Benign for Otospondylomegaepiphyseal dysplasia, autosomal dominant. Last evaluated: 2021-07-22. Review status: criteria provided, single submitter. Criteria: ACMG Guidelines, 2015. Collection method: clinical testing. Allele origin: germline. Affected: no.

Genome-Nilou Lab
Classification: Benign for Otospondylomegaepiphyseal dysplasia, autosomal recessive. Last evaluated: 2021-07-22. Review status: criteria provided, single submitter. Criteria: ACMG Guidelines, 2015. Collection method: clinical testing. Allele origin: germline. Affected: no.

GeneDx
Classification: Benign. Last evaluated: 2018-06-13. Review status: criteria provided, single submitter. Criteria: GeneDx Variant Classification (06012015). Collection method: clinical testing. Allele origin: germline. Affected: yes.
Comment: This variant is considered likely benign or benign based on one or more of the following criteria: it is a conservative change, it occurs at a poorly conserved position in the protein, it is predicted to be benign by multiple in silico algorithms, and/or has population frequency not consistent with disease.

PreventionGenetics, part of Exact Sciences
Classification: Benign. Review status: criteria provided, single submitter. Criteria: ACMG Guidelines, 2015. Collection method: clinical testing. Allele origin: germline.

Dr. Peter K. Rogan Lab, Western University
No classification provided (evidence only). Condition: Familial cancer of breast. Review status: no classification provided. Collection method: in vitro. Allele origin: not applicable. Functional consequence: retained intron. Not counted in ClinVar's aggregate classification.

Dr. Peter K. Rogan Lab, Western University
No classification provided (evidence only). Condition: Hepatocellular carcinoma. Review status: no classification provided. Collection method: in vitro. Allele origin: not applicable. Functional consequence: retained intron. Not counted in ClinVar's aggregate classification.

NM_080680.3(COL11A2):c.2484+22C>G

Gene: COL11A2 (collagen type XI alpha 2 chain; minus strand). Cytogenetic location: 6p21.32.
Variant type: single nucleotide variant.
Coding change: c.2484+22C>G on transcript NM_080680.3 (MANE Select); 22 bases into the intron after coding-DNA position 2484, C replaced by G.
Molecular consequence: intron variant.
Genome position (GRCh38, 1-based): chr6:33,174,143, G>C on the plus strand (C>G on the coding strand, the complement: COL11A2 is on the minus strand). VCF-style: chr6-33174143-G-C. GRCh37 (hg19) VCF-style: chr6-33141920-G-C.
Other names: c.2163+22C>G (NM_080679.3); c.2226+22C>G (NM_080681.3).
Identifiers: ClinVar variation 262309 (VCV000262309.6), dbSNP rs2744512, ClinGen allele CA3750887.